The following is an entry in ClinVar:

ClinVar aggregate classification (germline): Uncertain significance. Review status: criteria provided, multiple submitters, no conflicts (2 of 4 stars). 7 submissions from 4 submitters: Uncertain significance (7). Last evaluated 2023-11-22.

Conditions:
Congenital myopathy 18. Also called: Myopathy, congenital, due to dihydropyridine receptor defect; DIHYDROPYRIDINE RECEPTOR CONGENITAL MYOPATHY; DHPR CONGENITAL MYOPATHY. Identifiers: MedGen C5830283, MONDO:0859514, OMIM 620246.
Hypokalemic periodic paralysis, type 1. Also called: Hypokalemic Periodic Paralysis Type 1 (AD); HypoPP. Identifiers: Orphanet 681, MedGen C3714580, MONDO:0042979, OMIM 170400.
Malignant hyperthermia, susceptibility to, 5 (MHS5). Also called: CACNA1S-Related Malignant Hyperthermia Susceptibility. Identifiers: Orphanet 423, MedGen C1866077, MONDO:0011163, OMIM 601887.
Thyrotoxic periodic paralysis, susceptibility to, 1 (TTPP1). Identifiers: Orphanet 79102, MedGen C2749982, MONDO:0008570, OMIM 188580.

Allele frequency attached by ClinVar (database versions not stated): gnomAD 0.00001; gnomAD exomes 0.00001; TOPMed 0.00001; ExAC 0.00002.
gnomAD v4.1: 12 of 1,613,406 alleles (0.00074%); highest among the groups gnomAD compares: Non-Finnish European, 0.001%; no homozygotes.

Submissions (7):

Color Diagnostics, LLC DBA Color Health
Classification: Uncertain significance for Malignant hyperthermia, susceptibility to, 5. Last evaluated: 2023-11-22. Review status: criteria provided, single submitter. Criteria: ACMG Guidelines, 2015. Collection method: clinical testing. Allele origin: germline.
Comment: This missense variant replaces isoleucine with valine at codon 722 of the CACNA1S protein. Computational prediction suggests that this variant may not impact protein structure and function. To our knowledge, functional studies have not been reported for this variant. This variant has not been reported in individuals affected with CACNA1S-related disorders in the literature. This variant has been identified in 3/282796 chromosomes in the general population by the Genome Aggregation Database (gnomAD). The available evidence is insufficient to determine the role of this variant in disease conclusively. Therefore, this variant is classified as a Variant of Uncertain Significance.

Labcorp Genetics (formerly Invitae), Labcorp
Classification: Uncertain significance for Hypokalemic periodic paralysis, type 1; Malignant hyperthermia, susceptibility to, 5. Last evaluated: 2023-07-25. Review status: criteria provided, single submitter. Criteria: Invitae Variant Classification Sherloc (09022015). Collection method: clinical testing. Allele origin: germline.
Comment: In summary, the available evidence is currently insufficient to determine the role of this variant in disease. Therefore, it has been classified as a Variant of Uncertain Significance. Advanced modeling of protein sequence and biophysical properties (such as structural, functional, and spatial information, amino acid conservation, physicochemical variation, residue mobility, and thermodynamic stability) performed at Invitae indicates that this missense variant is not expected to disrupt CACNA1S protein function. ClinVar contains an entry for this variant (Variation ID: 1000010). This variant has not been reported in the literature in individuals affected with CACNA1S-related conditions. This variant is present in population databases (rs774585202, gnomAD 0.002%). This sequence change replaces isoleucine, which is neutral and non-polar, with valine, which is neutral and non-polar, at codon 722 of the CACNA1S protein (p.Ile722Val).

Genome-Nilou Lab
Classification: Uncertain significance for Malignant hyperthermia, susceptibility to, 5. Last evaluated: 2023-04-11. Review status: criteria provided, single submitter. Criteria: ACMG Guidelines, 2015. Collection method: clinical testing. Allele origin: germline. Affected: no.

Genome-Nilou Lab
Classification: Uncertain significance for Thyrotoxic periodic paralysis, susceptibility to, 1. Last evaluated: 2023-04-11. Review status: criteria provided, single submitter. Criteria: ACMG Guidelines, 2015. Collection method: clinical testing. Allele origin: germline. Affected: no.

Genome-Nilou Lab
Classification: Uncertain significance for Congenital myopathy 18. Last evaluated: 2023-04-11. Review status: criteria provided, single submitter. Criteria: ACMG Guidelines, 2015. Collection method: clinical testing. Allele origin: germline. Affected: no.

Genome-Nilou Lab
Classification: Uncertain significance for Hypokalemic periodic paralysis, type 1. Last evaluated: 2023-04-11. Review status: criteria provided, single submitter. Criteria: ACMG Guidelines, 2015. Collection method: clinical testing. Allele origin: germline. Affected: no.

Fulgent Genetics
Classification: Uncertain significance for Hypokalemic periodic paralysis, type 1; Thyrotoxic periodic paralysis, susceptibility to, 1; Malignant hyperthermia, susceptibility to, 5. Last evaluated: 2021-09-09. Review status: criteria provided, single submitter. Criteria: ACMG Guidelines, 2015. Collection method: clinical testing. Allele origin: unknown.

NM_000069.3(CACNA1S):c.2164A>G (p.Ile722Val)

Gene: CACNA1S (calcium voltage-gated channel subunit alpha1 S; minus strand). Cytogenetic location: 1q32.1.
Variant type: single nucleotide variant.
Coding change: c.2164A>G on transcript NM_000069.3 (MANE Select); coding-DNA position 2164, A replaced by G.
Protein change: p.Ile722Val; replaces isoleucine 722 with valine.
Molecular consequence: missense variant.
Genome position (GRCh38, 1-based): chr1:201,072,818, T>C on the plus strand (A>G on the coding strand, the complement: CACNA1S is on the minus strand). VCF-style: chr1-201072818-T-C. GRCh37 (hg19) VCF-style: chr1-201041946-T-C.
Other names: short protein forms I722V.
Identifiers: ClinVar variation 1000010 (VCV001000010.10), dbSNP rs774585202, ClinGen allele CA078856.